The following is an entry in ClinVar:

ClinVar aggregate classification (germline): Uncertain significance (1 of 4 stars; one submission).

Submission:

GeneDx
Classification: Uncertain significance. Last evaluated: 2025-07-08. Review status: criteria provided, single submitter. Criteria: GeneDx Variant Classification Process June 2021. Collection method: clinical testing. Allele origin: germline. Affected: yes.
Comment: Not observed at significant frequency in large population cohorts (gnomAD); In silico analysis supports that this missense variant has a deleterious effect on protein structure/function; Has not been previously published as pathogenic or benign to our knowledge; In silico analysis suggests this variant may impact gene splicing. In the absence of RNA/functional studies, the actual effect of this sequence change is unknown.

NM_001378454.1(ALMS1):c.12053C>T (p.Ala4018Val)

Genes: ALMS1 (ALMS1 centrosome and basal body associated protein; plus strand), LOC126806252 (BRD4-independent group 4 enhancer GRCh37_chr2:73828496-73829695; plus strand). Cytogenetic location: 2p13.1.
Variant type: single nucleotide variant.
Coding change: c.12053C>T on transcript NM_001378454.1 (MANE Select); coding-DNA position 12053, C replaced by T.
Protein change: p.Ala4018Val; replaces alanine 4018 with valine.
Molecular consequence: missense variant.
Genome position (GRCh38, 1-based): chr2:73,601,375, C>T. VCF-style: chr2-73601375-C-T. GRCh37 (hg19) VCF-style: chr2-73828502-C-T.
Other names: c.12056C>T, p.Ala4019Val (NM_015120.4); short protein forms A4018V, A4019V.
Identifiers: ClinVar variation 4685144 (VCV004685144.1).